The following is an entry in ClinVar:

ClinVar aggregate classification (germline): Pathogenic/Likely pathogenic. Review status: criteria provided, multiple submitters, no conflicts (2 of 4 stars). 4 submissions from 4 submitters: Pathogenic (2); Likely pathogenic (1). 1 of the submissions does not count toward it. Last evaluated 2026-02-20.

Conditions:
Cardiovascular phenotype. Identifiers: MedGen CN230736.
Hypertrophic cardiomyopathy 10. Also called: MYL2-Related Familial Hypertrophic Cardiomyopathy; CARDIOMYOPATHY, HYPERTROPHIC, MID-LEFT VENTRICULAR CHAMBER TYPE, 2. Identifiers: MedGen C1834460, MONDO:0012112, OMIM 608758.

Submissions (4):

GeneDx
Classification: Pathogenic. Last evaluated: 2026-02-20. Review status: criteria provided, single submitter. Criteria: GeneDx Variant Classification Process June 2021. Collection method: clinical testing. Allele origin: germline.
Comment: Identified in a patient with HCM in published literature (PMID: 12707239); Not observed at significant frequency in large population cohorts (gnomAD); Published functional studies demonstrate a damaging effect as p.(D166V) resulted in increased calcium sensitivity of force and ATPase, decrease in maximal force and ATPase, and decreased cross-bridge dissociation rate (PMID: 18987303); In silico analysis supports that this missense variant has a deleterious effect on protein structure/function; This variant is associated with the following publications: (PMID: 22573449, 31101927, 24374283, 23727233, 35177471, 19159226, 26906074, 12707239, 18987303)

Labcorp Genetics (formerly Invitae), Labcorp
Classification: Pathogenic for Hypertrophic cardiomyopathy 10. Last evaluated: 2025-06-02. Review status: criteria provided, single submitter. Criteria: Invitae Variant Classification Sherloc (09022015). Collection method: clinical testing. Allele origin: germline.
Comment: This sequence change replaces aspartic acid, which is acidic and polar, with valine, which is neutral and non-polar, at codon 166 of the MYL2 protein (p.Asp166Val). This variant is not present in population databases (gnomAD no frequency). This missense change has been observed in individual(s) with hypertrophic cardiomyopathy (PMID: 12707239; internal data). It has also been observed to segregate with disease in related individuals. ClinVar contains an entry for this variant (Variation ID: 31769). An algorithm developed to predict the effect of missense changes on protein structure and function (PolyPhen-2) suggests that this variant is likely to be disruptive. Experimental studies have shown that this missense change affects MYL2 function (PMID: 18987303, 23727233, 24374283). Algorithms developed to predict the effect of sequence changes on RNA splicing suggest that this variant may create or strengthen a splice site. This variant disrupts the p.Asp166 amino acid residue in MYL2. Other variant(s) that disrupt this residue have been observed in individuals with MYL2-related conditions (PMID: 24793961; internal data), which suggests that this may be a clinically significant amino acid residue. For these reasons, this variant has been classified as Pathogenic.

Molecular Diagnostic Laboratory for Inherited Cardiovascular Disease, Montreal Heart Institute
Classification: Likely pathogenic for Cardiovascular phenotype. Last evaluated: 2022-12-19. Review status: criteria provided, single submitter. Criteria: ACMG Guidelines, 2015. Collection method: clinical testing. Allele origin: germline. Affected: yes.

Leiden Muscular Dystrophy (MYL2)
No classification provided. Last evaluated: 2012-03-26. Review status: no classification provided. Collection method: curation. Allele origin: germline. Not counted in ClinVar's aggregate classification.

Literature cited by the submitters: PubMed 12707239 (cited by Labcorp Genetics (formerly Invitae), Labcorp); PubMed 18987303 (cited by Labcorp Genetics (formerly Invitae), Labcorp); PubMed 23727233 (cited by Labcorp Genetics (formerly Invitae), Labcorp); PubMed 24374283 (cited by Labcorp Genetics (formerly Invitae), Labcorp); PubMed 24793961 (cited by Labcorp Genetics (formerly Invitae), Labcorp).

NM_000432.4(MYL2):c.497A>T (p.Asp166Val)

Gene: MYL2 (myosin light chain 2; minus strand). Cytogenetic location: 12q24.11.
Variant type: single nucleotide variant.
Coding change: c.497A>T on transcript NM_000432.4 (MANE Select); coding-DNA position 497, A replaced by T.
Protein change: p.Asp166Val; replaces aspartic acid 166 with valine.
Molecular consequence: missense variant.
Genome position (GRCh38, 1-based): chr12:110,911,081, T>A on the plus strand (A>T on the coding strand, the complement: MYL2 is on the minus strand). VCF-style: chr12-110911081-T-A. GRCh37 (hg19) VCF-style: chr12-111348885-T-A.
Other names: short protein forms D166V.
Identifiers: ClinVar variation 31769 (VCV000031769.11), dbSNP rs199474815, ClinGen allele CA010471.
Genomic context (GRCh38, chr12:110,911,081, plus strand): 5'-TGAGGGCAGGGACCACTCTGCAAAGACGAGCCCAGGGCGCAGCAGCGAGCCCCCTCCTAG[T>A]CCTTCTCTTCTCCGTGGGTGATGATGTGCACCAGGTTCTTGTAGTCCAAGTTGCCAGTCA-3'
Protein context (NP_000423.2, residues 156-166): VHIITHGEEK[Asp166Val]